The following is an entry in ClinVar:

NM_000051.4(ATM):c.4614A>G (p.Val1538=)

Gene: ATM (ATM serine/threonine kinase; plus strand). Cytogenetic location: 11q22.3.
Variant type: single nucleotide variant.
Coding change: c.4614A>G on transcript NM_000051.4 (MANE Select); coding-DNA position 4614, A replaced by G.
Protein change: p.Val1538=; no amino-acid change (valine 1538 retained).
Molecular consequence: synonymous variant.
Genome position (GRCh38, 1-based): chr11:108,293,315, A>G. VCF-style: chr11-108293315-A-G. GRCh37 (hg19) VCF-style: chr11-108164042-A-G.
Other names: c.4614A>G, p.Val1538= (NM_001351834.2).
Identifiers: ClinVar variation 3254136 (VCV003254136.1), dbSNP rs2135809509.

ClinVar aggregate classification (germline): Benign (1 of 4 stars; one submission).

Conditions:
Familial cancer of breast. Also called: BREAST CANCER, FAMILIAL; Hereditary breast cancer; hereditary breast carcinoma. Identifiers: Orphanet 227535, MedGen C0346153, MONDO:0016419, OMIM 114480. Disease mechanism: loss of function.

Submission:

Myriad Genetics, Inc.
Classification: Benign for Familial cancer of breast. Last evaluated: 2024-05-20. Review status: criteria provided, single submitter. Criteria: Myriad Autosomal Dominant, Autosomal Recessive and X-Linked Classification Criteria (2023). Collection method: clinical testing. Allele origin: unknown.
Comment: This variant is considered benign. This variant is a silent/synonymous amino acid change and it is not expected to impact splicing.